The following is an entry in ClinVar:

ClinVar aggregate classification (germline): Uncertain significance (1 of 4 stars; one submission).

Submission:

Labcorp Genetics (formerly Invitae), Labcorp
Classification: Uncertain significance. Last evaluated: 2022-08-14. Review status: criteria provided, single submitter. Criteria: Invitae Variant Classification Sherloc (09022015). Collection method: clinical testing. Allele origin: germline.
Comment: In summary, the available evidence is currently insufficient to determine the role of this variant in disease. Therefore, it has been classified as a Variant of Uncertain Significance. This variant has not been reported in the literature in individuals affected with VCAN-related conditions. This variant is not present in population databases (gnomAD no frequency). This sequence change creates a premature translational stop signal (p.Thr678Glnfs*3) in the VCAN gene. It is expected to result in an absent or disrupted protein product. However, it is currently unclear if loss-of-function variants that occur in this region of the gene cause disease.

NM_004385.5(VCAN):c.2032del (p.Thr678fs)

Gene: VCAN (versican; plus strand). Cytogenetic location: 5q14.3.
Variant type: Deletion.
Coding change: c.2032del on transcript NM_004385.5 (MANE Select); coding-DNA position 2032, one base deleted (A; older notation c.2032delA).
Protein change: p.Thr678fs; shifts the reading frame from threonine 678.
Molecular consequence: frameshift variant. On other transcripts: intron variant (2).
Genome position (GRCh38, 1-based): chr5:83,520,338, A deleted; the last of 3 consecutive A bases (chr5:83,520,336-83,520,338); deleting any one gives the same sequence. VCF-style (leftmost placement, unchanged base first): chr5-83520335-CA-C. GRCh37 (hg19) VCF-style: chr5-82816154-CA-C.
Other names: c.2032del, p.Thr678fs (NM_001164098.2); c.1042+7942del (NM_001164097.2, NM_001126336.3); short protein forms T678fs.
Identifiers: ClinVar variation 2052623 (VCV002052623.4), dbSNP rs2479050549, ClinGen allele CA2580073678.